The following is an entry in ClinVar:

NM_025243.4(SLC19A3):c.715A>G (p.Ser239Gly)

Gene: SLC19A3 (solute carrier family 19 member 3; minus strand). Cytogenetic location: 2q36.3.
Variant type: single nucleotide variant.
Coding change: c.715A>G on transcript NM_025243.4 (MANE Select); coding-DNA position 715, A replaced by G.
Protein change: p.Ser239Gly; replaces serine 239 with glycine.
Molecular consequence: missense variant.
Genome position (GRCh38, 1-based): chr2:227,699,000, T>C on the plus strand (A>G on the coding strand, the complement: SLC19A3 is on the minus strand). VCF-style: chr2-227699000-T-C. GRCh37 (hg19) VCF-style: chr2-228563716-T-C.
Other names: c.715A>G, p.Ser239Gly (NM_001371411.1, NM_001371412.1); c.703A>G, p.Ser235Gly (NM_001371413.1, NM_001371414.1); short protein forms S235G, S239G.
Identifiers: ClinVar variation 1503197 (VCV001503197.6), dbSNP rs2106328822, ClinGen allele CA350876634.

ClinVar aggregate classification (germline): Uncertain significance (1 of 4 stars; one submission).

Conditions:
Biotin-responsive basal ganglia disease (BTBGD). Also called: Thiamine Transporter-2 Deficiency; Thiamine metabolism dysfunction syndrome type 2; THIAMINE METABOLISM DYSFUNCTION SYNDROME 2 (BIOTIN- AND THIAMINE-RESPONSIVE TYPE); Thiamine metabolism dysfunction syndrome 2 (biotin- or thiamine-responsive encephalopathy type 2); thiamine-responsive encephalopathy. Identifiers: Orphanet 199348, Orphanet 65284, MedGen C1843807, MONDO:0011841, OMIM 607483.

Submission:

Labcorp Genetics (formerly Invitae), Labcorp
Classification: Uncertain significance for Biotin-responsive basal ganglia disease. Last evaluated: 2020-11-25. Review status: criteria provided, single submitter. Criteria: Invitae Variant Classification Sherloc (09022015). Collection method: clinical testing. Allele origin: germline.
Comment: In summary, the available evidence is currently insufficient to determine the role of this variant in disease. Therefore, it has been classified as a Variant of Uncertain Significance. Advanced modeling of protein sequence and biophysical properties (such as structural, functional, and spatial information, amino acid conservation, physicochemical variation, residue mobility, and thermodynamic stability) performed at Invitae indicates that this missense variant is not expected to disrupt SLC19A3 protein function. This variant has not been reported in the literature in individuals with SLC19A3-related conditions. This variant is not present in population databases (ExAC no frequency). This sequence change replaces serine with glycine at codon 239 of the SLC19A3 protein (p.Ser239Gly). The serine residue is weakly conserved and there is a small physicochemical difference between serine and glycine.